The following is an entry in ClinVar:

ClinVar aggregate classification (germline): Benign. Review status: criteria provided, multiple submitters, no conflicts (2 of 4 stars). 3 submissions from 3 submitters: Benign (2). 1 of the submissions does not count toward it. Last evaluated 2026-01-28.

Conditions:
TONSL-related disorder. Also called: TONSL-related condition.

Allele frequency attached by ClinVar (database versions not stated): gnomAD exomes 0.00127 and 0.00351; ExAC 0.00451; gnomAD 0.01366 and 0.01461; 1000 Genomes Project 0.01478; 1000 Genomes Project 30x 0.01483; TOPMed 0.01515; ESP Exome Variant Server 0.01569.
gnomAD v4.1: 3,986 of 1,613,460 alleles (0.25%); highest among the groups gnomAD compares: African/African-American, 4.7%; 88 homozygotes.

Submissions (3):

Labcorp Genetics (formerly Invitae), Labcorp
Classification: Benign. Last evaluated: 2026-01-28. Review status: criteria provided, single submitter. Criteria: Invitae Variant Classification Sherloc (09022015). Collection method: clinical testing. Allele origin: germline.

Breakthrough Genomics
Classification: Benign. Review status: criteria provided, single submitter. Criteria: ACMG Guidelines, 2015. Collection method: not provided. Allele origin: germline. Inheritance: Autosomal recessive inheritance. Affected: yes.

PreventionGenetics, part of Exact Sciences
Classification: Benign for TONSL-related condition. Last evaluated: 2019-11-07. Review status: no assertion criteria provided. Collection method: clinical testing. Allele origin: germline. Not counted in ClinVar's aggregate classification.
Comment: This variant is classified as benign based on ACMG/AMP sequence variant interpretation guidelines (Richards et al. 2015 PMID: 25741868, with internal and published modifications).

NM_013432.5(TONSL):c.3520T>C (p.Phe1174Leu)

Gene: TONSL (tonsoku like, DNA repair protein; minus strand). Cytogenetic location: 8q24.3.
Variant type: single nucleotide variant.
Coding change: c.3520T>C on transcript NM_013432.5 (MANE Select); coding-DNA position 3520, T replaced by C.
Protein change: p.Phe1174Leu; replaces phenylalanine 1174 with leucine.
Molecular consequence: missense variant.
Genome position (GRCh38, 1-based): chr8:144,433,627, A>G on the plus strand (T>C on the coding strand, the complement: TONSL is on the minus strand). VCF-style: chr8-144433627-A-G. GRCh37 (hg19) VCF-style: chr8-145659010-A-G.
Other names: c.3520T>C (NM_013432.4); short protein forms F1174L.
Identifiers: ClinVar variation 1168131 (VCV001168131.10), dbSNP rs35351970, ClinGen allele CA4942487.